The following is an entry in ClinVar:

ClinVar aggregate classification (germline): Likely benign (0 of 4 stars; one submission).

Conditions:
FAH-related disorder. Also called: FAH-related condition.

Allele frequency attached by ClinVar (database versions not stated): gnomAD exomes below 0.00001.
gnomAD v4.1: 2 of 1,613,288 alleles (0.00012%); highest among the groups gnomAD compares: Non-Finnish European, 0.00017%; no homozygotes.

Submission:

PreventionGenetics, part of Exact Sciences
Classification: Likely benign for FAH-related condition. Last evaluated: 2022-10-04. Review status: no assertion criteria provided. Collection method: clinical testing. Allele origin: germline.
Comment: This variant is classified as likely benign based on ACMG/AMP sequence variant interpretation guidelines (Richards et al. 2015 PMID: 25741868, with internal and published modifications).

NM_000137.4(FAH):c.456-3C>T

Gene: FAH (fumarylacetoacetate hydrolase; plus strand). Cytogenetic location: 15q25.1.
Variant type: single nucleotide variant.
Coding change: c.456-3C>T on transcript NM_000137.4 (MANE Select); 3 bases into the intron before coding-DNA position 456, C replaced by T.
Molecular consequence: intron variant.
Genome position (GRCh38, 1-based): chr15:80,168,049, C>T. VCF-style: chr15-80168049-C-T. GRCh37 (hg19) VCF-style: chr15-80460391-C-T.
Other names: c.456-3C>T (NM_001374377.1, NM_001374380.1).
Identifiers: ClinVar variation 3051396 (VCV003051396.2), dbSNP rs2041209085, ClinGen allele CA2190336497.